The following is an entry in ClinVar:

ClinVar aggregate classification (germline): Conflicting classifications of pathogenicity. Review status: criteria provided, conflicting classifications (1 of 4 stars). 2 submissions from 2 submitters: Uncertain significance (1); Likely benign (1). Last evaluated 2021-12-02.

Allele frequency attached by ClinVar (database versions not stated): gnomAD exomes below 0.00001; ExAC 0.00001; TOPMed 0.00002.
gnomAD v4.1: 7 of 1,611,272 alleles (0.00043%); highest among the groups gnomAD compares: Non-Finnish European, 0.00051%; no homozygotes.

Submissions (2):

Labcorp Genetics (formerly Invitae), Labcorp
Classification: Likely benign. Last evaluated: 2021-12-02. Review status: criteria provided, single submitter. Criteria: Invitae Variant Classification Sherloc (09022015). Collection method: clinical testing. Allele origin: germline.

GeneDx
Classification: Uncertain significance. Last evaluated: 2021-06-02. Review status: criteria provided, single submitter. Criteria: GeneDx Variant Classification Process June 2021. Collection method: clinical testing. Allele origin: germline. Affected: yes.
Comment: In silico analysis supports that this missense variant has a deleterious effect on protein structure/function; Has not been previously published as pathogenic or benign to our knowledge

NM_170606.3(KMT2C):c.3283A>G (p.Arg1095Gly)

Gene: KMT2C (lysine methyltransferase 2C; minus strand). Cytogenetic location: 7q36.1.
Variant type: single nucleotide variant.
Coding change: c.3283A>G on transcript NM_170606.3 (MANE Select); coding-DNA position 3283, A replaced by G.
Protein change: p.Arg1095Gly; replaces arginine 1095 with glycine.
Molecular consequence: missense variant.
Genome position (GRCh38, 1-based): chr7:152,224,055, T>C on the plus strand (A>G on the coding strand, the complement: KMT2C is on the minus strand). VCF-style: chr7-152224055-T-C. GRCh37 (hg19) VCF-style: chr7-151921140-T-C.
Other names: short protein forms R1095G.
Identifiers: ClinVar variation 1210807 (VCV001210807.11), dbSNP rs760716705, ClinGen allele CA4580883.